The following is an entry in ClinVar:

ClinVar aggregate classification (germline): Conflicting classifications of pathogenicity. Review status: criteria provided, conflicting classifications (1 of 4 stars). 3 submissions from 3 submitters: Likely pathogenic (2); Uncertain significance (1). Last evaluated 2024-02-12.

Conditions:
Hereditary cancer-predisposing syndrome. Also called: Neoplastic Syndromes, Hereditary; Hereditary neoplastic syndrome; Tumor predisposition; Hereditary Cancer Syndrome. Identifiers: Orphanet 140162, MedGen C0027672, MeSH D009386, MONDO:0015356.
Cardiovascular phenotype. Identifiers: MedGen CN230736.

Submissions (3):

Labcorp Genetics (formerly Invitae), Labcorp
Classification: Uncertain significance. Last evaluated: 2024-02-12. Review status: criteria provided, single submitter. Criteria: Invitae Variant Classification Sherloc (09022015). Collection method: clinical testing. Allele origin: germline.
Comment: This sequence change falls in intron 6 of the LZTR1 gene. It does not directly change the encoded amino acid sequence of the LZTR1 protein. RNA analysis indicates that this variant induces altered splicing and may result in an absent or disrupted protein product. This variant is not present in population databases (gnomAD no frequency). This variant has been observed in individual(s) with schwannomatosis (PMID: 24362817). ClinVar contains an entry for this variant (Variation ID: 2457675). Variants that disrupt the consensus splice site are a relatively common cause of aberrant splicing (PMID: 17576681, 9536098). Studies have shown that this variant results in skipping of exon 7 and introduces a premature termination codon (PMID: 24362817). The resulting mRNA is expected to undergo nonsense-mediated decay. In summary, the available evidence is currently insufficient to determine the role of this variant in disease. Therefore, it has been classified as a Variant of Uncertain Significance.

GeneDx
Classification: Likely pathogenic. Last evaluated: 2023-08-18. Review status: criteria provided, single submitter. Criteria: GeneDx Variant Classification Process June 2021. Collection method: clinical testing. Allele origin: germline. Affected: yes.
Comment: Non-canonical splice site variant demonstrated to result in loss of function (Piotrowski et al., 2014); Not observed at significant frequency in large population cohorts (gnomAD); Identified in a patient with schwannomas who inherited the variant from an unaffected parent in published literature (Piotrowski et al., 2014); This variant is associated with the following publications: (PMID: 35391499, 24362817)

Ambry Genetics
Classification: Likely pathogenic for Cardiovascular phenotype; Hereditary cancer-predisposing syndrome. Last evaluated: 2023-03-07. Review status: criteria provided, single submitter. Criteria: Ambry Variant Classification Scheme 2023. Collection method: clinical testing. Allele origin: germline.
Comment: The c.594-3C>G intronic variant results from a C to G substitution 3 nucleotides upstream from coding exon 7 in the LZTR1 gene. This variant has been reported in a patient with schwannomatosis (SWN) with loss of heterozygosity at the LZTR1 locus and a somatic NF2 mutation detected in a schwannoma (Piotrowski A et al. Nat Genet, 2014 Feb;46:182-7). This variant is considered to be rare based on population cohorts in the Genome Aggregation Database (gnomAD). This nucleotide position is well conserved in available vertebrate species. In silico splice site analysis predicts that this alteration will weaken the native splice acceptor site, and RNA studies have demonstrated that this alteration results in abnormal splicing in the set of samples tested (Ambry internal data; Piotrowski A et al. Nat Genet, 2014 Feb;46:182-7). Loss-of-function variants in LZTR1 are related to an increased risk for schwannomas and autosomal recessive Noonan syndrome; however, such associations with autosomal dominant Noonan syndrome have not been observed (Piotrowski A et al. Nat Genet. 2014 Feb;46:182-7; Yamamoto GL et al. J Med Genet. 2015 Jun;52:413-21; Johnston JJ et al. Genet Med. 2018 10;20:1175-1185). Based on the supporting evidence, this variant is likely pathogenic for an increased risk of LZTR1-related SWN and would be expected to cause autosomal recessive Noonan syndrome when present along with a second pathogenic or likely pathogenic variant on the other allele; however, the association of this alteration with autosomal dominant Noonan syndrome is unlikely.

Literature cited by the submitters: PubMed 24362817 (cited by Labcorp Genetics (formerly Invitae), Labcorp); PubMed 17576681 (cited by Labcorp Genetics (formerly Invitae), Labcorp); PubMed 9536098 (cited by Labcorp Genetics (formerly Invitae), Labcorp).

NM_006767.4(LZTR1):c.594-3C>G

Gene: LZTR1 (leucine zipper like post translational regulator 1; plus strand). Cytogenetic location: 22q11.21.
Variant type: single nucleotide variant.
Coding change: c.594-3C>G on transcript NM_006767.4 (MANE Select); 3 bases into the intron before coding-DNA position 594, C replaced by G.
Molecular consequence: intron variant.
Genome position (GRCh38, 1-based): chr22:20,989,622, C>G. VCF-style: chr22-20989622-C-G. GRCh37 (hg19) VCF-style: chr22-21343911-C-G.
Identifiers: ClinVar variation 2457675 (VCV002457675.5), dbSNP rs373968693, ClinGen allele CA2580099193.